The following is an entry in ClinVar:

NM_032816.5(CEP89):c.88G>C (p.Ala30Pro)

Gene: CEP89 (centrosomal protein 89; minus strand). Cytogenetic location: 19q13.11.
Variant type: single nucleotide variant.
Coding change: c.88G>C on transcript NM_032816.5 (MANE Select); coding-DNA position 88, G replaced by C.
Protein change: p.Ala30Pro; replaces alanine 30 with proline.
Molecular consequence: missense variant.
Genome position (GRCh38, 1-based): chr19:32,966,418, C>G on the plus strand (G>C on the coding strand, the complement: CEP89 is on the minus strand). VCF-style: chr19-32966418-C-G. GRCh37 (hg19) VCF-style: chr19-33457324-C-G.
Other names: short protein forms A30P.
Identifiers: ClinVar variation 2614050 (VCV002614050.3), dbSNP rs1356874927, ClinGen allele CA405197401.
Genomic context (GRCh38, chr19:32,966,418, plus strand): 5'-ACCTTGGTCTCTCTGGAGATGGGTTGGGGCTGCGGGGAGGAGGTGTGCGTGGCACAGCTG[C>G]CTTCGGAGCAACGCTGGCTGCAGGTAAAAGGCCATGGATGATGTGTTTCTGCACAAATGA-3'
Protein context (NP_116205.3, residues 20-40): LLPAASVAPK[Ala30Pro]AVPRTPPPRS

ClinVar aggregate classification (germline): Conflicting classifications of pathogenicity. Review status: criteria provided, conflicting classifications (1 of 4 stars). 2 submissions from 2 submitters: Uncertain significance (1); Likely benign (1). Last evaluated 2025-04-15.

gnomAD v4.1: 3 of 1,563,882 alleles (0.00019%); highest among the groups gnomAD compares: East Asian, 0.0049%; no homozygotes.

Submissions (2):

Labcorp Genetics (formerly Invitae), Labcorp
Classification: Uncertain significance. Last evaluated: 2025-04-15. Review status: criteria provided, single submitter. Criteria: Invitae Variant Classification Sherloc (09022015). Collection method: clinical testing. Allele origin: germline.
Comment: This sequence change replaces alanine, which is neutral and non-polar, with proline, which is neutral and non-polar, at codon 30 of the CEP89 protein (p.Ala30Pro). This variant is present in population databases (no rsID available, gnomAD 0.01%). This variant has not been reported in the literature in individuals affected with CEP89-related conditions. ClinVar contains an entry for this variant (Variation ID: 2614050). An algorithm developed to predict the effect of missense changes on protein structure and function outputs the following: PolyPhen-2: "Benign". The proline amino acid residue is found in multiple mammalian species, which suggests that this missense change does not adversely affect protein function. In summary, the available evidence is currently insufficient to determine the role of this variant in disease. Therefore, it has been classified as a Variant of Uncertain Significance.

Ambry Genetics
Classification: Likely benign. Last evaluated: 2023-07-25. Review status: criteria provided, single submitter. Criteria: Ambry Variant Classification Scheme 2023. Collection method: clinical testing. Allele origin: germline.